The following is an entry in ClinVar:

ClinVar aggregate classification (germline): Uncertain significance (1 of 4 stars; one submission).

Conditions:
Hereditary cancer-predisposing syndrome. Also called: Hereditary Cancer Syndrome; Hereditary neoplastic syndrome; Neoplastic Syndromes, Hereditary; Tumor predisposition. Identifiers: Orphanet 140162, MedGen C0027672, MeSH D009386, MONDO:0015356.

gnomAD v4.1: 1 of 1,610,760 alleles (0.000062%); highest among the groups gnomAD compares: African/African-American, 0.0013%; no homozygotes.

Submission:

Ambry Genetics
Classification: Uncertain significance for Hereditary cancer-predisposing syndrome. Last evaluated: 2025-07-03. Review status: criteria provided, single submitter. Criteria: Ambry Variant Classification Scheme 2023. Collection method: clinical testing. Allele origin: germline.
Comment: The p.A518V variant (also known as c.1553C>T), located in coding exon 8 of the ALK gene, results from a C to T substitution at nucleotide position 1553. The alanine at codon 518 is replaced by valine, an amino acid with similar properties. This amino acid position is conserved. In addition, this alteration is predicted to be tolerated by in silico analysis. Based on the available evidence, the clinical significance of this variant remains unclear.

NM_004304.5(ALK):c.1553C>T (p.Ala518Val)

Gene: ALK (ALK receptor tyrosine kinase; minus strand). Cytogenetic location: 2p23.2.
Variant type: single nucleotide variant.
Coding change: c.1553C>T on transcript NM_004304.5 (MANE Select); coding-DNA position 1553, C replaced by T.
Protein change: p.Ala518Val; replaces alanine 518 with valine.
Molecular consequence: missense variant.
Genome position (GRCh38, 1-based): chr2:29,318,398, G>A on the plus strand (C>T on the coding strand, the complement: ALK is on the minus strand). VCF-style: chr2-29318398-G-A. GRCh37 (hg19) VCF-style: chr2-29541264-G-A.
Other names: short protein forms A518V.
Identifiers: ClinVar variation 4272416 (VCV004272416.1).
Genomic context (GRCh38, chr2:29,318,398, plus strand): 5'-GTAGCACTGGTCACTGTAGCACTTTCAGAAGCGGGGACATCAGTGGTACTGAGCAATAGA[G>A]CATGGTCTAGGAGAGAGGAAAAGAATCACAAGCACGCCATTATCAGGAACTGGGGGACCA-3'
Protein context (NP_004295.2, residues 508-528): DARFQDHQDH[Ala518Val]LLLSTTDVPA